The following is an entry in ClinVar:

NM_005744.5(ARIH1):c.83A>G (p.Glu28Gly)

Gene: ARIH1 (ariadne RBR E3 ubiquitin protein ligase 1; plus strand). Cytogenetic location: 15q24.1.
Variant type: single nucleotide variant.
Coding change: c.83A>G on transcript NM_005744.5 (MANE Select); coding-DNA position 83, A replaced by G.
Protein change: p.Glu28Gly; replaces glutamic acid 28 with glycine.
Molecular consequence: missense variant.
Genome position (GRCh38, 1-based): chr15:72,474,722, A>G. VCF-style: chr15-72474722-A-G. GRCh37 (hg19) VCF-style: chr15-72767063-A-G.
Other names: short protein forms E28G.
Identifiers: ClinVar variation 1963397 (VCV001963397.5), dbSNP rs1348781230, ClinGen allele CA393236418.

ClinVar aggregate classification (germline): Uncertain significance (1 of 4 stars; one submission).

Allele frequency attached by ClinVar (database versions not stated): gnomAD exomes 0.00001.
gnomAD v4.1: 4 of 1,565,968 alleles (0.00026%); highest among the groups gnomAD compares: Admixed American, 0.0037%; no homozygotes.

Submission:

Labcorp Genetics (formerly Invitae), Labcorp
Classification: Uncertain significance. Last evaluated: 2022-08-09. Review status: criteria provided, single submitter. Criteria: Invitae Variant Classification Sherloc (09022015). Collection method: clinical testing. Allele origin: germline.
Comment: This sequence change replaces glutamic acid, which is acidic and polar, with glycine, which is neutral and non-polar, at codon 28 of the ARIH1 protein (p.Glu28Gly). The frequency data for this variant in the population databases is considered unreliable, as metrics indicate poor data quality at this position in the gnomAD database. This variant has not been reported in the literature in individuals affected with ARIH1-related conditions. Algorithms developed to predict the effect of missense changes on protein structure and function are either unavailable or do not agree on the potential impact of this missense change (SIFT: "Tolerated"; PolyPhen-2: "Not Available"; Align-GVGD: "Class C0"). In summary, the available evidence is currently insufficient to determine the role of this variant in disease. Therefore, it has been classified as a Variant of Uncertain Significance.